The following is an entry in ClinVar:

NM_004360.5(CDH1):c.210C>T (p.Ser70=)

Gene: CDH1 (cadherin 1; plus strand). Cytogenetic location: 16q22.1.
Variant type: single nucleotide variant.
Coding change: c.210C>T on transcript NM_004360.5 (MANE Select); coding-DNA position 210, C replaced by T.
Protein change: p.Ser70=; no amino-acid change (serine 70 retained).
Molecular consequence: synonymous variant. On other transcripts: 5 prime UTR variant (2).
Genome position (GRCh38, 1-based): chr16:68,801,716, C>T. VCF-style: chr16-68801716-C-T. GRCh37 (hg19) VCF-style: chr16-68835619-C-T.
Other names: c.210C>T, p.Ser70= (NM_001317184.2); c.-1406C>T (NM_001317185.2); c.-1610C>T (NM_001317186.2).
Identifiers: ClinVar variation 820727 (VCV000820727.14), dbSNP rs1597884617, ClinGen allele CA496152613.
Genomic context (GRCh38, chr16:68,801,716, plus strand): 5'-TTTCTGCCCTGCAGTGAATTTTGAAGATTGCACCGGTCGACAAAGGACAGCCTATTTTTC[C>T]CTCGACACCCGATTCAAAGTGGGCACAGATGGTGTGATTACAGTCAAAAGGCCTCTACGG-3'
Protein context (NP_004351.1, residues 60-80): CTGRQRTAYF[Ser70=]LDTRFKVGTD

ClinVar aggregate classification (germline): Benign/Likely benign. Review status: criteria provided, multiple submitters, no conflicts (2 of 4 stars). 3 submissions from 3 submitters: Benign (1); Likely benign (2). Last evaluated 2024-09-12.

Conditions:
Hereditary diffuse gastric adenocarcinoma (HDGC). Also called: DIFFUSE GASTRIC AND LOBULAR BREAST CANCER SYNDROME. Identifiers: Orphanet 26106, MedGen C1708349, MONDO:0007648, OMIM 137215.
Hereditary cancer-predisposing syndrome. Also called: Hereditary Cancer Syndrome; Neoplastic Syndromes, Hereditary; Hereditary neoplastic syndrome; Tumor predisposition. Identifiers: Orphanet 140162, MedGen C0027672, MeSH D009386, MONDO:0015356.

gnomAD v4.1: 1 of 1,614,132 alleles (0.000062%); no homozygotes.

Submissions (3):

Myriad Genetics, Inc.
Classification: Benign for Hereditary diffuse gastric adenocarcinoma. Last evaluated: 2024-09-12. Review status: criteria provided, single submitter. Criteria: Myriad Autosomal Dominant, Autosomal Recessive and X-Linked Classification Criteria (2023). Collection method: clinical testing. Allele origin: unknown.
Comment: This variant is considered benign. This variant is a silent/synonymous amino acid change and it is not expected to impact splicing.

Labcorp Genetics (formerly Invitae), Labcorp
Classification: Likely benign for Hereditary diffuse gastric adenocarcinoma. Last evaluated: 2024-08-20. Review status: criteria provided, single submitter. Criteria: Invitae Variant Classification Sherloc (09022015). Collection method: clinical testing. Allele origin: germline.

Ambry Genetics
Classification: Likely benign for Hereditary cancer-predisposing syndrome. Last evaluated: 2019-06-29. Review status: criteria provided, single submitter. Criteria: Ambry Variant Classification Scheme 2023. Collection method: clinical testing. Allele origin: germline.